The following is an entry in ClinVar:

ClinVar aggregate classification (germline): Uncertain significance. Review status: criteria provided, multiple submitters, no conflicts (2 of 4 stars). 2 submissions from 2 submitters: Uncertain significance (2). Last evaluated 2024-10-09.

Conditions:
Inborn genetic diseases. Identifiers: MedGen C0950123, MeSH D030342.

Allele frequency attached by ClinVar (database versions not stated): gnomAD exomes 0.00001; TOPMed 0.00001.
gnomAD v4.1: 8 of 1,180,406 alleles (0.00068%); highest among the groups gnomAD compares: Non-Finnish European, 0.00081%; no homozygotes.

Submissions (2):

Ambry Genetics
Classification: Uncertain significance for Inborn genetic diseases. Last evaluated: 2024-10-09. Review status: criteria provided, single submitter. Criteria: Ambry Variant Classification Scheme 2023. Collection method: clinical testing. Allele origin: germline.

GeneDx
Classification: Uncertain significance. Last evaluated: 2019-06-11. Review status: criteria provided, single submitter. Criteria: GeneDx Variant Classification Process June 2021. Collection method: clinical testing. Allele origin: germline. Affected: yes.
Comment: Not observed in large population cohorts (Lek et al., 2016); Has not been previously published as pathogenic or benign to our knowledge

NM_007325.5(GRIA3):c.1259C>T (p.Ser420Leu)

Gene: GRIA3 (glutamate ionotropic receptor AMPA type subunit 3; plus strand). Cytogenetic location: Xq25.
Variant type: single nucleotide variant.
Coding change: c.1259C>T on transcript NM_007325.5 (MANE Select); coding-DNA position 1259, C replaced by T.
Protein change: p.Ser420Leu; replaces serine 420 with leucine.
Molecular consequence: missense variant.
Genome position (GRCh38, 1-based): chrX:123,403,485, C>T. VCF-style: chrX-123403485-C-T. GRCh37 (hg19) VCF-style: chrX-122537336-C-T.
Other names: c.1259C>T, p.Ser420Leu (NM_000828.5); short protein forms S420L.
Identifiers: ClinVar variation 1303218 (VCV001303218.3), dbSNP rs2045454264, ClinGen allele CA414258798.